The following is an entry in ClinVar:

ClinVar aggregate classification (germline): Uncertain significance (1 of 4 stars; one submission).

gnomAD v4.1: 6 of 1,538,722 alleles (0.00039%); highest among the groups gnomAD compares: East Asian, 0.0024%; no homozygotes.

Submission:

GeneDx
Classification: Uncertain significance. Last evaluated: 2026-04-03. Review status: criteria provided, single submitter. Criteria: GeneDx Variant Classification Process June 2021. Collection method: clinical testing. Allele origin: germline.
Comment: In silico analysis suggests that this missense variant does not alter protein structure/function; Has not been previously published as pathogenic or benign to our knowledge

NM_001128636.4(ELFN1):c.673G>A (p.Val225Ile)

Gene: ELFN1 (extracellular leucine rich repeat and fibronectin type III domain containing 1; plus strand). Cytogenetic location: 7p22.3.
Variant type: single nucleotide variant.
Coding change: c.673G>A on transcript NM_001128636.4 (MANE Select); coding-DNA position 673, G replaced by A.
Protein change: p.Val225Ile; replaces valine 225 with isoleucine.
Molecular consequence: missense variant.
Genome position (GRCh38, 1-based): chr7:1,745,269, G>A. VCF-style: chr7-1745269-G-A. GRCh37 (hg19) VCF-style: chr7-1784905-G-A.
Other names: c.673G>A, p.Val225Ile (NM_001394187.1, NM_001394188.1); short protein forms V225I.
Identifiers: ClinVar variation 5018201 (VCV005018201.1).
Genomic context (GRCh38, chr7:1,745,269, plus strand): 5'-CTGGCCGCCTTCACCAACGCCACACAGACGTACGACCGCATGCAGTGCGAGTCGCCGCCC[G>A]TCTACTCCGGCTACTACCTCCTGGGCCAGGGCCGCCGCGGCCACCGCAGCATCCTCAGCA-3'
Protein context (NP_001122108.1, residues 215-235): YDRMQCESPP[Val225Ile]YSGYYLLGQG